The following is an entry in ClinVar:

ClinVar aggregate classification (germline): Pathogenic. Review status: criteria provided, multiple submitters, no conflicts (2 of 4 stars). 2 submissions from 2 submitters: Pathogenic (2). Last evaluated 2025-05-05.

Conditions:
Neurofibromatosis, type 1 (NF1). Also called: VON RECKLINGHAUSEN DISEASE; Peripheral type neurofibromatosis; Neurofibromatosis, type I; NEUROFIBROMATOSIS, TYPE I, SOMATIC. Identifiers: Orphanet 636, MedGen C0027831, MONDO:0018975, OMIM 162200. Disease mechanism: loss of function.

Submissions (2):

Institute of Human Genetics, University of Leipzig Medical Center
Classification: Pathogenic for Neurofibromatosis, type 1. Last evaluated: 2025-05-05. Review status: criteria provided, single submitter. Criteria: ACMG Guidelines, 2015. Collection method: clinical testing. Allele origin: unknown. Inheritance: Autosomal dominant inheritance. Affected: yes.
Comment: Criteria applied: PVS1,PM2,PS4_SUP,PP4

Labcorp Genetics (formerly Invitae), Labcorp
Classification: Pathogenic for Neurofibromatosis, type 1. Last evaluated: 2022-12-31. Review status: criteria provided, single submitter. Criteria: Invitae Variant Classification Sherloc (09022015). Collection method: clinical testing. Allele origin: germline.
Comment: For these reasons, this variant has been classified as Pathogenic. This variant has not been reported in the literature in individuals affected with NF1-related conditions. This variant is not present in population databases (gnomAD no frequency). This sequence change creates a premature translational stop signal (p.Leu525*) in the NF1 gene. It is expected to result in an absent or disrupted protein product. Loss-of-function variants in NF1 are known to be pathogenic (PMID: 10712197, 23913538).

Literature cited by the submitters: PubMed 10712197 (cited by Labcorp Genetics (formerly Invitae), Labcorp); PubMed 23913538 (cited by Labcorp Genetics (formerly Invitae), Labcorp).

NM_001042492.3(NF1):c.1574T>A (p.Leu525Ter)

Gene: NF1 (neurofibromin 1; plus strand). Cytogenetic location: 17q11.2.
Variant type: single nucleotide variant.
Coding change: c.1574T>A on transcript NM_001042492.3 (MANE Select); coding-DNA position 1574, T replaced by A.
Protein change: p.Leu525Ter; replaces leucine 525 with a stop codon.
Molecular consequence: nonsense.
Genome position (GRCh38, 1-based): chr17:31,219,051, T>A. VCF-style: chr17-31219051-T-A. GRCh37 (hg19) VCF-style: chr17-29546069-T-A.
Other names: c.1574T>A, p.Leu525Ter (NM_000267.4, NM_001128147.3); short protein forms L525*.
Identifiers: ClinVar variation 1993538 (VCV001993538.5), dbSNP rs2143986336, ClinGen allele CA399001911.